The following is an entry in ClinVar:

ClinVar aggregate classification (germline): Uncertain significance (1 of 4 stars; one submission).

Conditions:
Familial hemophagocytic lymphohistiocytosis 5. Also called: STXBP2-Related Familial Hemophagocytic Lymphohistiocytosis (STXBP2-fHLH). Identifiers: Orphanet 540, MedGen C2751293, MONDO:0013135, OMIM 613101.

Allele frequency attached by ClinVar (database versions not stated): gnomAD exomes below 0.00001.
gnomAD v4.1: 1 of 1,551,586 alleles (0.000064%); highest among the groups gnomAD compares: Non-Finnish European, 0.000087%; no homozygotes.

Submission:

Labcorp Genetics (formerly Invitae), Labcorp
Classification: Uncertain significance for Familial hemophagocytic lymphohistiocytosis 5. Last evaluated: 2022-08-08. Review status: criteria provided, single submitter. Criteria: Invitae Variant Classification Sherloc (09022015). Collection method: clinical testing. Allele origin: germline.
Comment: This sequence change replaces isoleucine, which is neutral and non-polar, with valine, which is neutral and non-polar, at codon 176 of the STXBP2 protein (p.Ile176Val). This variant is not present in population databases (gnomAD no frequency). This variant has not been reported in the literature in individuals affected with STXBP2-related conditions. Algorithms developed to predict the effect of missense changes on protein structure and function are either unavailable or do not agree on the potential impact of this missense change (SIFT: "Tolerated"; PolyPhen-2: "Possibly Damaging"; Align-GVGD: "Class C0"). In summary, the available evidence is currently insufficient to determine the role of this variant in disease. Therefore, it has been classified as a Variant of Uncertain Significance.

NM_006949.4(STXBP2):c.526A>G (p.Ile176Val)

Gene: STXBP2 (syntaxin binding protein 2; plus strand). Cytogenetic location: 19p13.2.
Variant type: single nucleotide variant.
Coding change: c.526A>G on transcript NM_006949.4 (MANE Select); coding-DNA position 526, A replaced by G.
Protein change: p.Ile176Val; replaces isoleucine 176 with valine.
Molecular consequence: missense variant. On other transcripts: non-coding transcript variant (1).
Genome position (GRCh38, 1-based): chr19:7,641,801, A>G. VCF-style: chr19-7641801-A-G. GRCh37 (hg19) VCF-style: chr19-7706687-A-G.
Other names: c.517A>G, p.Ile173Val (NM_001127396.3); c.559A>G, p.Ile187Val (NM_001272034.2); c.430A>G, p.Ile144Val (NM_001414484.1); short protein forms I144V, I187V, I173V, I176V.
Identifiers: ClinVar variation 1949064 (VCV001949064.5), dbSNP rs768883437, ClinGen allele CA9143678.